The following is an entry in ClinVar:

ClinVar aggregate classification (germline): Uncertain significance (1 of 4 stars; one submission).

gnomAD v4.1: 1 of 1,614,128 alleles (0.000062%); highest among the groups gnomAD compares: South Asian, 0.0011%; no homozygotes.

Submission:

GeneDx
Classification: Uncertain significance. Last evaluated: 2025-03-16. Review status: criteria provided, single submitter. Criteria: GeneDx Variant Classification Process June 2021. Collection method: clinical testing. Allele origin: germline. Affected: yes.
Comment: Not observed at significant frequency in large population cohorts (gnomAD); In silico analysis supports that this missense variant has a deleterious effect on protein structure/function; Has not been previously published as pathogenic or benign to our knowledge

NM_024422.6(DSC2):c.1397A>G (p.Asp466Gly)

Gene: DSC2 (desmocollin 2; minus strand). Cytogenetic location: 18q12.1.
Variant type: single nucleotide variant.
Coding change: c.1397A>G on transcript NM_024422.6 (MANE Select); coding-DNA position 1397, A replaced by G.
Protein change: p.Asp466Gly; replaces aspartic acid 466 with glycine.
Molecular consequence: missense variant.
Genome position (GRCh38, 1-based): chr18:31,080,219, T>C on the plus strand (A>G on the coding strand, the complement: DSC2 is on the minus strand). VCF-style: chr18-31080219-T-C. GRCh37 (hg19) VCF-style: chr18-28660185-T-C.
Other names: c.968A>G, p.Asp323Gly (NM_001406506.1, NM_001406507.1); c.1397A>G, p.Asp466Gly (NM_004949.5); short protein forms D323G, D466G.
Identifiers: ClinVar variation 4088228 (VCV004088228.1).